The following is an entry in ClinVar:

NM_032217.5(ANKRD17):c.1774G>T (p.Ala592Ser)

Gene: ANKRD17 (ankyrin repeat domain 17; minus strand). Cytogenetic location: 4q13.3.
Variant type: single nucleotide variant.
Coding change: c.1774G>T on transcript NM_032217.5 (MANE Select); coding-DNA position 1774, G replaced by T.
Protein change: p.Ala592Ser; replaces alanine 592 with serine.
Molecular consequence: missense variant.
Genome position (GRCh38, 1-based): chr4:73,146,859, C>A on the plus strand (G>T on the coding strand, the complement: ANKRD17 is on the minus strand). VCF-style: chr4-73146859-C-A. GRCh37 (hg19) VCF-style: chr4-74012576-C-A.
Other names: c.1774G>T (NM_032217.3); c.1435G>T, p.Ala479Ser (NM_001286771.3); c.1774G>T, p.Ala592Ser (NM_015574.2, NM_198889.3); short protein forms A479S, A592S.
Identifiers: ClinVar variation 3345527 (VCV003345527.2).
Genomic context (GRCh38, chr4:73,146,859, plus strand): 5'-CATCAGTATGACCATTTTCACAGGCATATGTTAGTGCTGTATCCCCTGTTGCTGTTGTTG[C>A]ATGAACGTTAGCTCCTGTAGTAGTCAACAAATAATACATAGACTTAATAAAGGAGCCATA-3'
Protein context (NP_115593.3, residues 582-602): YLLAAGANVH[Ala592Ser]TTATGDTALT

ClinVar aggregate classification (germline): Uncertain significance. Review status: criteria provided, single submitter (1 of 4 stars). 2 submissions from 2 submitters: Uncertain significance (1). 1 of the submissions does not count toward it. Last evaluated 2025-10-15.

Conditions:
ANKRD17-related disorder. Also called: ANKRD17-related condition.
Inborn genetic diseases. Identifiers: MedGen C0950123, MeSH D030342.

Submissions (2):

Ambry Genetics
Classification: Uncertain significance for Inborn genetic diseases. Last evaluated: 2025-10-15. Review status: criteria provided, single submitter. Criteria: Ambry Variant Classification Scheme 2023. Collection method: clinical testing. Allele origin: germline.

PreventionGenetics, part of Exact Sciences
Classification: Uncertain significance for ANKRD17-related condition. Last evaluated: 2024-09-25. Review status: no assertion criteria provided. Collection method: clinical testing. Allele origin: germline. Not counted in ClinVar's aggregate classification.
Comment: The ANKRD17 c.1774G>T variant is predicted to result in the amino acid substitution p.Ala592Ser. To our knowledge, this variant has not been reported in the literature or in a large population database, indicating this variant is rare. At this time, the clinical significance of this variant is uncertain due to the absence of conclusive functional and genetic evidence.